The following is an entry in ClinVar:

GRCh38/hg38 Yq11.222(chrY:17251756-19149935)x2

Genes: CDY2A (chromodomain Y-linked 2A; plus strand), CDY2B (chromodomain Y-linked 2B; minus strand), FAM224A (family with sequence similarity 224 member A; plus strand), FAM224B (family with sequence similarity 224 member B; minus strand), FAM41AY1 (family with sequence similarity 41 member A, Y-linked 1; plus strand) and 9 more. Cytogenetic location: Yq11.222.
Variant type: copy number gain.
Change: copy number 2 of chrY:17,251,756-19,149,935 (1.90 Mb, GRCh38 coordinates, 1-based), cytogenetic band Yq11.222.
Identifiers: ClinVar variation 146459 (VCV000146459.4).

ClinVar aggregate classification (germline): Conflicting classifications of pathogenicity. Review status: no assertion criteria provided (0 of 4 stars). 2 submissions from 2 submitters: Benign (1); conflicting data from submitters (1). Last evaluated 2011-01-05.

Submissions (2):

ISCA site 1
Classification: conflicting data from submitters. Last evaluated: 2011-01-05. Review status: no assertion criteria provided. Collection method: clinical testing. Allele origin: unknown. Affected: yes. Observed: 2 variant alleles.
Comment: Uncertain significance(1), Likely benign (1)

Copy number variation identified through the course of routine clinical cytogenomic testing in postnatal populations, with clinical assertions as classified by the original submitter. For data from the original published study, Kaminsky, et al. 2011 (PubMed 21844811), please see nstd101.

ISCA site 8
Classification: Benign. Last evaluated: 2010-10-20. Review status: no assertion criteria provided. Collection method: clinical testing. Allele origin: unknown. Affected: yes. Observed: 1 variant allele.